The following is an entry in ClinVar:

ClinVar aggregate classification (germline): Uncertain significance. Review status: criteria provided, multiple submitters, no conflicts (2 of 4 stars). 2 submissions from 2 submitters: Uncertain significance (2). Last evaluated 2026-05-20.

Conditions:
Inborn genetic diseases. Identifiers: MedGen C0950123, MeSH D030342.
Glycogen storage disease IXd (GSD9D). Also called: Muscle Phosphorylase Kinase Deficiency; GSD IXd. Identifiers: Orphanet 715, MedGen C1845151, MONDO:0010362, OMIM 300559.

gnomAD v4.1: 12 of 1,209,305 alleles (0.00099%); highest among the groups gnomAD compares: South Asian, 0.016%; no homozygotes.

Submissions (2):

Ambry Genetics
Classification: Uncertain significance for Inborn genetic diseases. Last evaluated: 2026-05-20. Review status: criteria provided, single submitter. Criteria: Ambry Variant Classification Scheme 2023. Collection method: clinical testing. Allele origin: germline.

Labcorp Genetics (formerly Invitae), Labcorp
Classification: Uncertain significance for Glycogen storage disease IXd. Last evaluated: 2024-11-27. Review status: criteria provided, single submitter. Criteria: Invitae Variant Classification Sherloc (09022015). Collection method: clinical testing. Allele origin: germline.
Comment: This sequence change replaces serine, which is neutral and polar, with leucine, which is neutral and non-polar, at codon 261 of the PHKA1 protein (p.Ser261Leu). This variant is present in population databases (rs782692869, gnomAD 0.01%). This missense change has been observed in individual(s) with clinical features of PHKA1-related conditions (internal data). Invitae Evidence Modeling of protein sequence and biophysical properties (such as structural, functional, and spatial information, amino acid conservation, physicochemical variation, residue mobility, and thermodynamic stability) indicates that this missense variant is expected to disrupt PHKA1 protein function with a positive predictive value of 80%. In summary, the available evidence is currently insufficient to determine the role of this variant in disease. Therefore, it has been classified as a Variant of Uncertain Significance.

NM_002637.4(PHKA1):c.782C>T (p.Ser261Leu)

Gene: PHKA1 (phosphorylase kinase regulatory subunit alpha 1; minus strand). Cytogenetic location: Xq13.1.
Variant type: single nucleotide variant.
Coding change: c.782C>T on transcript NM_002637.4 (MANE Select); coding-DNA position 782, C replaced by T.
Protein change: p.Ser261Leu; replaces serine 261 with leucine.
Molecular consequence: missense variant.
Genome position (GRCh38, 1-based): chrX:72,666,233, G>A on the plus strand (C>T on the coding strand, the complement: PHKA1 is on the minus strand). VCF-style: chrX-72666233-G-A. GRCh37 (hg19) VCF-style: chrX-71886083-G-A.
Other names: c.782C>T (NM_002637.3); c.782C>T, p.Ser261Leu (NM_001122670.2, NM_001172436.2, NM_001431068.1); short protein forms S261L.
Identifiers: ClinVar variation 3710650 (VCV003710650.3).